The following is an entry in ClinVar:

ClinVar aggregate classification (germline): Uncertain significance. Review status: criteria provided, multiple submitters, no conflicts (2 of 4 stars). 2 submissions from 2 submitters: Uncertain significance (2). Last evaluated 2023-03-05.

Conditions:
SPRED1-related disorder. Also called: SPRED1-related condition.
Legius syndrome. Identifiers: Orphanet 137605, MedGen C1969623, MONDO:0012669, OMIM 611431. Disease mechanism: loss of function.

Allele frequency attached by ClinVar (database versions not stated): gnomAD 0.00001.
gnomAD v4.1: 1 of 1,613,880 alleles (0.000062%); highest among the groups gnomAD compares: African/African-American, 0.0013%; no homozygotes.

Submissions (2):

PreventionGenetics, part of Exact Sciences
Classification: Uncertain significance for SPRED1-related condition. Last evaluated: 2023-03-05. Review status: criteria provided, single submitter. Criteria: ACMG Guidelines, 2015. Collection method: clinical testing. Allele origin: germline.
Comment: The SPRED1 c.101T>C variant is predicted to result in the amino acid substitution p.Leu34Pro. To our knowledge, this variant has not been reported in the literature. This variant is reported in 0.011% of alleles in individuals of African descent in gnomAD. At this time, the clinical significance of this variant is uncertain due to the absence of conclusive functional and genetic evidence.

Labcorp Genetics (formerly Invitae), Labcorp
Classification: Uncertain significance for Legius syndrome. Last evaluated: 2022-03-18. Review status: criteria provided, single submitter. Criteria: Invitae Variant Classification Sherloc (09022015). Collection method: clinical testing. Allele origin: germline.
Comment: In summary, the available evidence is currently insufficient to determine the role of this variant in disease. Therefore, it has been classified as a Variant of Uncertain Significance. Algorithms developed to predict the effect of missense changes on protein structure and function are either unavailable or do not agree on the potential impact of this missense change (SIFT: "Deleterious"; PolyPhen-2: "Probably Damaging"; Align-GVGD: "Class C0"). This variant has not been reported in the literature in individuals affected with SPRED1-related conditions. This variant is present in population databases (no rsID available, gnomAD 0.01%). This sequence change replaces leucine, which is neutral and non-polar, with proline, which is neutral and non-polar, at codon 34 of the SPRED1 protein (p.Leu34Pro).

NM_152594.3(SPRED1):c.101T>C (p.Leu34Pro)

Gene: SPRED1 (sprouty related EVH1 domain containing 1; plus strand). Cytogenetic location: 15q14.
Variant type: single nucleotide variant.
Coding change: c.101T>C on transcript NM_152594.3 (MANE Select); coding-DNA position 101, T replaced by C.
Protein change: p.Leu34Pro; replaces leucine 34 with proline.
Molecular consequence: missense variant.
Genome position (GRCh38, 1-based): chr15:38,299,441, T>C. VCF-style: chr15-38299441-T-C. GRCh37 (hg19) VCF-style: chr15-38591642-T-C.
Other names: c.101T>C (NM_152594.2); short protein forms L34P.
Identifiers: ClinVar variation 2154407 (VCV002154407.5), dbSNP rs1282223944, ClinGen allele CA391934062.